The following is an entry in ClinVar:

ClinVar aggregate classification (germline): Benign/Likely benign. Review status: criteria provided, multiple submitters, no conflicts (2 of 4 stars). 11 submissions from 10 submitters: Benign (6); Likely benign (4). 1 of the submissions does not count toward it. Last evaluated 2026-01-07.

Conditions:
Fibromuscular dysplasia, multifocal. Identifiers: MedGen C5543412, MONDO:0859151, OMIM 619329.
Ehlers-Danlos syndrome, classic type, 1 (EDSCL1). Also called: Ehlers-Danlos syndrome, type 1; Ehlers-Danlos Syndrome, Classic Type, COL5A1-Related; EDS I; EHLERS-DANLOS SYNDROME, GRAVIS TYPE; EHLERS-DANLOS SYNDROME, SEVERE CLASSIC TYPE. Identifiers: MedGen C0268335, MONDO:0019567, OMIM 130000.
Ehlers-Danlos syndrome (EDS). Identifiers: Orphanet 98249, MedGen C0013720, MONDO:0020066.
COL5A1-related disorder. Also called: COL5A1-related condition.
Familial thoracic aortic aneurysm and aortic dissection (TAAD). Also called: Thoracic aortic aneurysms and dissections. Identifiers: Orphanet 91387, MedGen C4707243, MONDO:0019625.

Allele frequency attached by ClinVar (database versions not stated): TOPMed 0.00023; gnomAD 0.00017 and 0.00021; gnomAD exomes 0.00021 and 0.00007; ExAC 0.00027; ESP Exome Variant Server 0.00042.
gnomAD v4.1: 133 of 1,550,728 alleles (0.0086%); highest among the groups gnomAD compares: African/African-American, 0.057%; no homozygotes.

Submissions (11):

Labcorp Genetics (formerly Invitae), Labcorp
Classification: Benign for Ehlers-Danlos syndrome, classic type, 1. Last evaluated: 2026-01-07. Review status: criteria provided, single submitter. Criteria: Invitae Variant Classification Sherloc (09022015). Collection method: clinical testing. Allele origin: germline.

Mayo Clinic Laboratories, Mayo Clinic
Classification: Likely benign. Last evaluated: 2025-08-29. Review status: criteria provided, single submitter. Criteria: ACMG Guidelines, 2015. Collection method: clinical testing. Allele origin: germline. Observed: 1 variant allele.
Comment: BS1, BP4, BP7

Molecular Diagnostic Laboratory for Inherited Cardiovascular Disease, Montreal Heart Institute
Classification: Likely benign. Last evaluated: 2025-04-09. Review status: criteria provided, single submitter. Criteria: ACMG Guidelines, 2015. Collection method: clinical testing. Allele origin: germline. Affected: no.

Women's Health and Genetics/Laboratory Corporation of America, LabCorp
Classification: Benign. Last evaluated: 2023-12-26. Review status: criteria provided, single submitter. Criteria: LabCorp Variant Classification Summary - May 2015. Collection method: clinical testing. Allele origin: germline.

Genome-Nilou Lab
Classification: Benign for Ehlers-Danlos syndrome, classic type, 1. Last evaluated: 2022-03-15. Review status: criteria provided, single submitter. Criteria: ACMG Guidelines, 2015. Collection method: clinical testing. Allele origin: germline. Affected: no.

Genome-Nilou Lab
Classification: Benign for Fibromuscular dysplasia, multifocal. Last evaluated: 2022-03-15. Review status: criteria provided, single submitter. Criteria: ACMG Guidelines, 2015. Collection method: clinical testing. Allele origin: germline. Affected: no.

Genome Diagnostics Laboratory, The Hospital for Sick Children
Classification: Benign for Ehlers-Danlos syndrome. Last evaluated: 2021-12-08. Review status: criteria provided, single submitter. Criteria: ACMG Guidelines, 2015. Collection method: clinical testing. Allele origin: germline.

Ambry Genetics
Classification: Likely benign for Familial thoracic aortic aneurysm and aortic dissection. Last evaluated: 2017-05-25. Review status: criteria provided, single submitter. Criteria: Ambry Variant Classification Scheme 2023. Collection method: clinical testing. Allele origin: germline.

GeneDx
Classification: Benign. Last evaluated: 2013-12-30. Review status: criteria provided, single submitter. Criteria: GeneDx Variant Classification (06012015). Collection method: clinical testing. Allele origin: germline. Affected: yes.
Comment: This variant is considered likely benign or benign based on one or more of the following criteria: it is a conservative change, it occurs at a poorly conserved position in the protein, it is predicted to be benign by multiple in silico algorithms, and/or has population frequency not consistent with disease.

Breakthrough Genomics
Classification: Likely benign. Review status: criteria provided, single submitter. Criteria: ACMG Guidelines, 2015. Collection method: not provided. Allele origin: germline. Inheritance: Autosomal dominant inheritance. Affected: yes.

PreventionGenetics, part of Exact Sciences
Classification: Likely benign for COL5A1-related condition. Last evaluated: 2023-06-22. Review status: no assertion criteria provided. Collection method: clinical testing. Allele origin: germline. Not counted in ClinVar's aggregate classification.
Comment: This variant is classified as likely benign based on ACMG/AMP sequence variant interpretation guidelines (Richards et al. 2015 PMID: 25741868, with internal and published modifications).

NM_000093.5(COL5A1):c.3888G>A (p.Pro1296=)

Gene: COL5A1 (collagen type V alpha 1 chain; plus strand). Cytogenetic location: 9q34.3.
Variant type: single nucleotide variant.
Coding change: c.3888G>A on transcript NM_000093.5 (MANE Select); coding-DNA position 3888, G replaced by A.
Protein change: p.Pro1296=; no amino-acid change (proline 1296 retained).
Molecular consequence: synonymous variant.
Genome position (GRCh38, 1-based): chr9:134,814,018, G>A. VCF-style: chr9-134814018-G-A. GRCh37 (hg19) VCF-style: chr9-137705864-G-A.
Other names: p.P1296P:CCG>CCA; p.Pro1296=; c.3888G>A, p.Pro1296= (NM_001278074.1).
Identifiers: ClinVar variation 136883 (VCV000136883.26), dbSNP rs375631252, ClinGen allele CA290263.